The following is an entry in ClinVar:

ClinVar aggregate classification (germline): Uncertain significance (1 of 4 stars; one submission).

gnomAD v4.1: 5 of 1,613,884 alleles (0.00031%); highest among the groups gnomAD compares: Middle Eastern, 0.016%; no homozygotes.

Submission:

GeneDx
Classification: Uncertain significance. Last evaluated: 2026-03-20. Review status: criteria provided, single submitter. Criteria: GeneDx Variant Classification Process June 2021. Collection method: clinical testing. Allele origin: germline.
Comment: In silico analysis supports that this missense variant has a deleterious effect on protein structure/function; Has not been previously published as pathogenic or benign to our knowledge

NM_003458.4(BSN):c.4419T>G (p.Phe1473Leu)

Gene: BSN (bassoon presynaptic cytomatrix protein; plus strand). Cytogenetic location: 3p21.31.
Variant type: single nucleotide variant.
Coding change: c.4419T>G on transcript NM_003458.4 (MANE Select); coding-DNA position 4419, T replaced by G.
Protein change: p.Phe1473Leu; replaces phenylalanine 1473 with leucine.
Molecular consequence: missense variant.
Genome position (GRCh38, 1-based): chr3:49,653,975, T>G. VCF-style: chr3-49653975-T-G. GRCh37 (hg19) VCF-style: chr3-49691408-T-G.
Other names: short protein forms F1473L.
Identifiers: ClinVar variation 5009319 (VCV005009319.1).